The following is an entry in ClinVar:

NM_001369.3(DNAH5):c.9649G>A (p.Val3217Ile)

Gene: DNAH5 (dynein axonemal heavy chain 5; minus strand). Cytogenetic location: 5p15.2.
Variant type: single nucleotide variant.
Coding change: c.9649G>A on transcript NM_001369.3 (MANE Select); coding-DNA position 9649, G replaced by A.
Protein change: p.Val3217Ile; replaces valine 3217 with isoleucine.
Molecular consequence: missense variant.
Genome position (GRCh38, 1-based): chr5:13,769,572, C>T on the plus strand (G>A on the coding strand, the complement: DNAH5 is on the minus strand). VCF-style: chr5-13769572-C-T. GRCh37 (hg19) VCF-style: chr5-13769681-C-T.
Other names: c.9649G>A (NM_001369.2); short protein forms V3217I.
Identifiers: ClinVar variation 1512589 (VCV001512589.6), dbSNP rs1753033779, ClinGen allele CA359203189.

ClinVar aggregate classification (germline): Uncertain significance. Review status: criteria provided, multiple submitters, no conflicts (2 of 4 stars). 3 submissions from 3 submitters: Uncertain significance (3). Last evaluated 2024-12-04.

Conditions:
Primary ciliary dyskinesia. Also called: Ciliary dyskinesia. Identifiers: Orphanet 244, MedGen C0008780, MONDO:0016575, HP:0012265.

Allele frequency attached by ClinVar (database versions not stated): gnomAD exomes below 0.00001; gnomAD 0.00001; TOPMed 0.00001.
gnomAD v4.1: 2 of 1,613,938 alleles (0.00012%); highest among the groups gnomAD compares: Admixed American, 0.0033%; no homozygotes.

Submissions (3):

Labcorp Genetics (formerly Invitae), Labcorp
Classification: Uncertain significance for Primary ciliary dyskinesia. Last evaluated: 2024-12-04. Review status: criteria provided, single submitter. Criteria: Invitae Variant Classification Sherloc (09022015). Collection method: clinical testing. Allele origin: germline.
Comment: This sequence change replaces valine, which is neutral and non-polar, with isoleucine, which is neutral and non-polar, at codon 3217 of the DNAH5 protein (p.Val3217Ile). This variant is not present in population databases (gnomAD no frequency). This variant has not been reported in the literature in individuals affected with DNAH5-related conditions. ClinVar contains an entry for this variant (Variation ID: 1512589). Invitae Evidence Modeling of protein sequence and biophysical properties (such as structural, functional, and spatial information, amino acid conservation, physicochemical variation, residue mobility, and thermodynamic stability) indicates that this missense variant is not expected to disrupt DNAH5 protein function with a negative predictive value of 95%. In summary, the available evidence is currently insufficient to determine the role of this variant in disease. Therefore, it has been classified as a Variant of Uncertain Significance.

Ambry Genetics
Classification: Uncertain significance for Primary ciliary dyskinesia. Last evaluated: 2023-12-09. Review status: criteria provided, single submitter. Criteria: Ambry Variant Classification Scheme 2023. Collection method: clinical testing. Allele origin: germline.

Breakthrough Genomics
Classification: Uncertain significance. Review status: criteria provided, single submitter. Criteria: ACMG Guidelines, 2015. Collection method: not provided. Allele origin: germline. Inheritance: Autosomal recessive inheritance. Affected: yes.